The following is an entry in ClinVar:

ClinVar aggregate classification (germline): Likely pathogenic (1 of 4 stars; one submission).

Conditions:
Epidermolysis bullosa dystrophica. Also called: Dystrophic epidermolysis bullosa, Hallopeau-Siemens type (formerly); Dystrophic epidermolysis bullosa. Identifiers: Orphanet 303, MedGen C0079294, MONDO:0006543.

Submission:

Natera, Inc.
Classification: Likely pathogenic for Dystrophic epidermolysis bullosa. Last evaluated: 2025-05-20. Review status: criteria provided, single submitter. Criteria: Natera Variant Classification Schema (03/2026). Collection method: clinical testing. Allele origin: germline.
Comment: The c.5605-2_5605-1del variant in COL7A1 is a canonical splice acceptor site variant predicted to affect pre-mRNA splicing, which may result in an abnormal transcript and altered protein product. This variant is expected to result in nonsense mediated decay, truncation, or a dysfunctional protein product. This variant is rare in the general population with a frequency below the threshold expected for the associated phenotype(s). Given the available evidence, this variant is classified as Likely Pathogenic.

NM_000094.4(COL7A1):c.5605-2_5605-1del

Gene: COL7A1 (collagen type VII alpha 1 chain; minus strand). Cytogenetic location: 3p21.31.
Variant type: Deletion.
Coding change: c.5605-2_5605-1del on transcript NM_000094.4 (MANE Select); the canonical splice acceptor site of the intron before coding-DNA position 5605, 2 bases deleted (AG; older notation c.5605-2_5605-1delAG).
Molecular consequence: splice acceptor variant.
Genome position (GRCh38, 1-based): chr3:48,576,772-48,576,773, CT deleted on the plus strand (AG on the coding strand, the reverse complement: COL7A1 is on the minus strand). VCF-style (leftmost placement, unchanged base first): chr3-48576771-CCT-C. GRCh37 (hg19) VCF-style: chr3-48614204-CCT-C.
Identifiers: ClinVar variation 4065145 (VCV004065145.2).